The following is an entry in ClinVar:

ClinVar aggregate classification (germline): Uncertain significance (1 of 4 stars; one submission).

gnomAD v4.1: 19 of 1,614,072 alleles (0.0012%); highest among the groups gnomAD compares: African/African-American, 0.025%; no homozygotes.

Submission:

Labcorp Genetics (formerly Invitae), Labcorp
Classification: Uncertain significance. Last evaluated: 2024-09-12. Review status: criteria provided, single submitter. Criteria: Invitae Variant Classification Sherloc (09022015). Collection method: clinical testing. Allele origin: germline.
Comment: This sequence change affects codon 297 of the SLC25A11 mRNA. It is a 'silent' change, meaning that it does not change the encoded amino acid sequence of the SLC25A11 protein. This variant is present in population databases (rs141327993, gnomAD 0.05%). This variant has not been reported in the literature in individuals affected with SLC25A11-related conditions. Experimental studies and prediction algorithms are not available or were not evaluated, and the effect of this variant on mRNA splicing is currently unknown. In summary, the available evidence is currently insufficient to determine the role of this variant in disease. Therefore, it has been classified as a Variant of Uncertain Significance.

NM_003562.5(SLC25A11):c.891C>T (p.Phe297=)

Gene: SLC25A11 (solute carrier family 25 member 11; minus strand). Cytogenetic location: 17p13.2.
Variant type: single nucleotide variant.
Coding change: c.891C>T on transcript NM_003562.5 (MANE Select); coding-DNA position 891, C replaced by T.
Protein change: p.Phe297=; no amino-acid change (phenylalanine 297 retained).
Molecular consequence: synonymous variant.
Genome position (GRCh38, 1-based): chr17:4,937,795, G>A on the plus strand (C>T on the coding strand, the complement: SLC25A11 is on the minus strand). VCF-style: chr17-4937795-G-A. GRCh37 (hg19) VCF-style: chr17-4841090-G-A.
Other names: c.858C>T, p.Phe286= (NM_001165417.2); c.738C>T, p.Phe246= (NM_001165418.2).
Identifiers: ClinVar variation 3640877 (VCV003640877.2).